The following is an entry in ClinVar:

NM_080424.4(SP110):c.1201G>A (p.Asp401Asn)

Gene: SP110 (SP110 nuclear body protein; minus strand). Cytogenetic location: 2q37.1.
Variant type: single nucleotide variant.
Coding change: c.1201G>A on transcript NM_080424.4 (MANE Select); coding-DNA position 1201, G replaced by A.
Protein change: p.Asp401Asn; replaces aspartic acid 401 with asparagine.
Molecular consequence: missense variant.
Genome position (GRCh38, 1-based): chr2:230,186,072, C>T on the plus strand (G>A on the coding strand, the complement: SP110 is on the minus strand). VCF-style: chr2-230186072-C-T. GRCh37 (hg19) VCF-style: chr2-231050788-C-T.
Other names: c.1219G>A, p.Asp407Asn (NM_001185015.2, NM_001378442.1, NM_001378444.1 and 2 more transcripts); c.1201G>A, p.Asp401Asn (NM_001378443.1, NM_004509.5, NM_004510.4); c.1051G>A, p.Asp351Asn (NM_001378447.1); short protein forms D401N, D351N, D407N.
Identifiers: ClinVar variation 1410726 (VCV001410726.4), dbSNP rs761627243, ClinGen allele CA2154592.

ClinVar aggregate classification (germline): Uncertain significance (1 of 4 stars; one submission).

Conditions:
Hepatic veno-occlusive disease-immunodeficiency syndrome. Also called: Hepatic Veno-Occlusive Disease with Immunodeficiency. Identifiers: Orphanet 79124, MedGen C1856128, MONDO:0009338, OMIM 235550. Disease mechanism: loss of function.

Allele frequency attached by ClinVar (database versions not stated): gnomAD 0.00001; gnomAD exomes 0.00001; TOPMed 0.00001; ExAC 0.00002.
gnomAD v4.1: 11 of 1,613,998 alleles (0.00068%); highest among the groups gnomAD compares: East Asian, 0.0045%; no homozygotes.

Submission:

Labcorp Genetics (formerly Invitae), Labcorp
Classification: Uncertain significance for Hepatic veno-occlusive disease-immunodeficiency syndrome. Last evaluated: 2022-05-24. Review status: criteria provided, single submitter. Criteria: Invitae Variant Classification Sherloc (09022015). Collection method: clinical testing. Allele origin: germline.
Comment: This sequence change replaces aspartic acid, which is acidic and polar, with asparagine, which is neutral and polar, at codon 401 of the SP110 protein (p.Asp401Asn). This variant is present in population databases (rs761627243, gnomAD 0.007%). This variant has not been reported in the literature in individuals affected with SP110-related conditions. Algorithms developed to predict the effect of missense changes on protein structure and function output the following: SIFT: "Tolerated"; PolyPhen-2: "Probably Damaging"; Align-GVGD: "Class C0". The asparagine amino acid residue is found in multiple mammalian species, which suggests that this missense change does not adversely affect protein function. In summary, the available evidence is currently insufficient to determine the role of this variant in disease. Therefore, it has been classified as a Variant of Uncertain Significance.